The following is an entry in ClinVar:

ClinVar aggregate classification (germline): Uncertain significance. Review status: criteria provided, multiple submitters, no conflicts (2 of 4 stars). 3 submissions from 3 submitters: Uncertain significance (3). Last evaluated 2026-02-12.

Conditions:
SPATA7-related disorder. Also called: SPATA7-related disorders; SPATA7-related condition. Identifiers: MedGen CN239422.
Leber congenital amaurosis 3 (LCA3). Also called: SPATA7-Related Retinitis Pigmentosa. Identifiers: MedGen C1858677, MONDO:0011415, OMIM 604232.

Allele frequency attached by ClinVar (database versions not stated): gnomAD 0.00006 and 0.00007; ExAC 0.00007; ESP Exome Variant Server 0.00008; gnomAD exomes 0.00008 and 0.00014; TOPMed 0.00008.
gnomAD v4.1: 205 of 1,614,032 alleles (0.013%); highest among the groups gnomAD compares: Non-Finnish European, 0.017%; no homozygotes.

Submissions (3):

PreventionGenetics, part of Exact Sciences
Classification: Uncertain significance for SPATA7-related condition. Last evaluated: 2026-02-12. Review status: criteria provided, single submitter. Criteria: ACMG Guidelines, 2015. Collection method: clinical testing. Allele origin: germline.
Comment: The SPATA7 c.1403A>G variant is predicted to result in the amino acid substitution p.Gln468Arg. To our knowledge, this variant has not been reported in the literature. This variant is reported in 0.023% of alleles in individuals of Latino descent in gnomAD. At this time, the clinical significance of this variant is uncertain due to the absence of conclusive functional and genetic evidence.

Labcorp Genetics (formerly Invitae), Labcorp
Classification: Uncertain significance for Leber congenital amaurosis 3. Last evaluated: 2024-11-11. Review status: criteria provided, single submitter. Criteria: Invitae Variant Classification Sherloc (09022015). Collection method: clinical testing. Allele origin: germline.
Comment: This sequence change replaces glutamine, which is neutral and polar, with arginine, which is basic and polar, at codon 468 of the SPATA7 protein (p.Gln468Arg). This variant is present in population databases (rs146142429, gnomAD 0.02%). This variant has not been reported in the literature in individuals affected with SPATA7-related conditions. ClinVar contains an entry for this variant (Variation ID: 971713). Invitae Evidence Modeling of protein sequence and biophysical properties (such as structural, functional, and spatial information, amino acid conservation, physicochemical variation, residue mobility, and thermodynamic stability) indicates that this missense variant is not expected to disrupt SPATA7 protein function with a negative predictive value of 80%. In summary, the available evidence is currently insufficient to determine the role of this variant in disease. Therefore, it has been classified as a Variant of Uncertain Significance.

Blueprint Genetics
Classification: Uncertain significance. Last evaluated: 2024-07-29. Review status: criteria provided, single submitter. Criteria: ACMG Guidelines, 2015. Collection method: clinical testing. Allele origin: germline.

NM_018418.5(SPATA7):c.1403A>G (p.Gln468Arg)

Gene: SPATA7 (spermatogenesis associated 7; plus strand). Cytogenetic location: 14q31.3.
Variant type: single nucleotide variant.
Coding change: c.1403A>G on transcript NM_018418.5 (MANE Select); coding-DNA position 1403, A replaced by G.
Protein change: p.Gln468Arg; replaces glutamine 468 with arginine.
Molecular consequence: missense variant.
Genome position (GRCh38, 1-based): chr14:88,438,025, A>G. VCF-style: chr14-88438025-A-G. GRCh37 (hg19) VCF-style: chr14-88904369-A-G.
Other names: c.1307A>G, p.Gln436Arg (NM_001040428.4); short protein forms Q436R, Q468R.
Identifiers: ClinVar variation 971713 (VCV000971713.9), dbSNP rs146142429, ClinGen allele CA7298804.
Genomic context (GRCh38, chr14:88,438,025, plus strand): 5'-AACCAAATGAATTAAAAAATGAAAGTGAAGTAACAATTCAGCAGGAACGTCAACAATACC[A>G]AAAGGCTTTGGATATGTTATTGTCGGCACCAAAGGATGAGAACGAGATATTCCCTTCACC-3'
Protein context (NP_060888.2, residues 458-478): VTIQQERQQY[Gln468Arg]KALDMLLSAP